The following is an entry in ClinVar:

NM_020822.3(KCNT1):c.1505T>C (p.Phe502Ser)

Gene: KCNT1 (potassium sodium-activated channel subfamily T member 1; plus strand). Cytogenetic location: 9q34.3.
Variant type: single nucleotide variant.
Coding change: c.1505T>C on transcript NM_020822.3 (MANE Select); coding-DNA position 1505, T replaced by C.
Protein change: p.Phe502Ser; replaces phenylalanine 502 with serine.
Molecular consequence: missense variant.
Genome position (GRCh38, 1-based): chr9:135,768,932, T>C. VCF-style: chr9-135768932-T-C. GRCh37 (hg19) VCF-style: chr9-138660778-T-C.
Other names: c.1370T>C, p.Phe457Ser (NM_001272003.2); short protein forms F457S, F502S.
Identifiers: ClinVar variation 2077998 (VCV002077998.4), dbSNP rs2490945732, ClinGen allele CA375505748.

ClinVar aggregate classification (germline): Likely pathogenic (1 of 4 stars; one submission).

Conditions:
Developmental and epileptic encephalopathy, 14 (DEE14). Also called: Early infantile epileptic encephalopathy 14. Identifiers: Orphanet 293181, MedGen C3554195, MONDO:0013989, OMIM 614959.
Autosomal dominant nocturnal frontal lobe epilepsy 5. Also called: Epilepsy, nocturnal frontal lobe, 5; CILIARY DYSKINESIA, PRIMARY, 28, WITH SITUS INVERSUS; CILIARY DYSKINESIA, PRIMARY, 28, WITHOUT SITUS INVERSUS; KCNT1-Related Epilepsy. Identifiers: Orphanet 98784, MedGen C3554306, MONDO:0014002, OMIM 615005.

Submission:

Labcorp Genetics (formerly Invitae), Labcorp
Classification: Likely pathogenic for Autosomal dominant nocturnal frontal lobe epilepsy 5; Developmental and epileptic encephalopathy, 14. Last evaluated: 2022-01-08. Review status: criteria provided, single submitter. Criteria: Invitae Variant Classification Sherloc (09022015). Collection method: clinical testing. Allele origin: germline.
Comment: In summary, the currently available evidence indicates that the variant is pathogenic, but additional data are needed to prove that conclusively. Therefore, this variant has been classified as Likely Pathogenic. This variant disrupts the p.Phe502 amino acid residue in KCNT1. Other variant(s) that disrupt this residue have been determined to be pathogenic (PMID: 29196579). This suggests that this residue is clinically significant, and that variants that disrupt this residue are likely to be disease-causing. Advanced modeling of protein sequence and biophysical properties (such as structural, functional, and spatial information, amino acid conservation, physicochemical variation, residue mobility, and thermodynamic stability) performed at Invitae indicates that this missense variant is expected to disrupt KCNT1 protein function. This variant has not been reported in the literature in individuals affected with KCNT1-related conditions. This variant is not present in population databases (gnomAD no frequency). This sequence change replaces phenylalanine, which is neutral and non-polar, with serine, which is neutral and polar, at codon 502 of the KCNT1 protein (p.Phe502Ser).

Literature cited by the submitters: PubMed 29196579.